The following is an entry in ClinVar:

NM_000492.4(CFTR):c.4253A>G (p.Glu1418Gly)

Genes: CFTR (CF transmembrane conductance regulator; plus strand), LOC111674477 (CFTR intron 23 enhancer; plus strand). Cytogenetic location: 7q31.2.
Variant type: single nucleotide variant.
Coding change: c.4253A>G on transcript NM_000492.4 (MANE Select); coding-DNA position 4253, A replaced by G.
Protein change: p.Glu1418Gly; replaces glutamic acid 1418 with glycine.
Molecular consequence: missense variant.
Genome position (GRCh38, 1-based): chr7:117,666,918, A>G. VCF-style: chr7-117666918-A-G. GRCh37 (hg19) VCF-style: chr7-117306972-A-G.
Other names: short protein forms E1418G.
Identifiers: ClinVar variation 2453622 (VCV002453622.4), dbSNP rs2485185447, ClinGen allele CA368984404.
Genomic context (GRCh38, chr7:117,666,918, plus strand): 5'-TGGTCTGACCTGCCTTCTGTCCCAGATCTCACTAACAGCCATTTCCCTAGGTCATAGAAG[A>G]GAACAAAGTGCGGCAGTACGATTCCATCCAGAAACTGCTGAACGAGAGGAGCCTCTTCCG-3'
Protein context (NP_000483.3, residues 1408-1428): LECQQFLVIE[Glu1418Gly]NKVRQYDSIQ

ClinVar aggregate classification (germline): Uncertain significance. Review status: criteria provided, single submitter (1 of 4 stars). 2 submissions from 2 submitters: Uncertain significance (1). 1 of the submissions does not count toward it. Last evaluated 2025-07-05.

Conditions:
Cystic fibrosis (CF). Also called: MUCOVISCIDOSIS. Identifiers: Orphanet 586, MedGen C0010674, MONDO:0009061, OMIM 219700. Disease mechanism: loss of function.
CFTR-related disorder (CFTR-RD). Also called: CFTR-related disorders; CFTR-related condition. Identifiers: MedGen C5924204, MONDO:7770004.

Allele frequency attached by ClinVar (database versions not stated): gnomAD exomes below 0.00001.
gnomAD v4.1: 1 of 1,614,058 alleles (0.000062%); highest among the groups gnomAD compares: South Asian, 0.0011%; no homozygotes.

Submissions (2):

Ambry Genetics
Classification: Uncertain significance for Cystic fibrosis. Last evaluated: 2025-07-05. Review status: criteria provided, single submitter. Criteria: Ambry Variant Classification Scheme 2023. Collection method: clinical testing. Allele origin: germline.
Comment: The p.E1418G variant (also known as c.4253A>G), located in coding exon 27 of the CFTR gene, results from an A to G substitution at nucleotide position 4253. The glutamic acid at codon 1418 is replaced by glycine, an amino acid with similar properties. This amino acid position is conserved. In addition, this alteration is predicted to be tolerated by in silico analysis. Since supporting evidence is limited at this time, the clinical significance of this alteration remains unclear.

Natera, Inc.
Classification: Uncertain significance for CFTR-related disorders. Last evaluated: 2025-05-23. Review status: no assertion criteria provided. Collection method: clinical testing. Allele origin: germline. Not counted in ClinVar's aggregate classification.